The following is an entry in ClinVar:

ClinVar aggregate classification (germline): Benign/Likely benign. Review status: criteria provided, multiple submitters, no conflicts (2 of 4 stars). 12 submissions from 12 submitters: Benign (10); Likely benign (1). 1 of the submissions does not count toward it. Last evaluated 2026-02-04.

Conditions:
Primary ciliary dyskinesia. Also called: Ciliary dyskinesia. Identifiers: Orphanet 244, MedGen C0008780, MONDO:0016575, HP:0012265.
Primary ciliary dyskinesia 10. Also called: CILIARY DYSKINESIA, PRIMARY, 10, WITH OR WITHOUT SITUS INVERSUS. Identifiers: Orphanet 244, MedGen C2675867, MONDO:0012918, OMIM 612518.

Allele frequency attached by ClinVar (database versions not stated): 1000 Genomes Project 0.49341; 1000 Genomes Project 30x 0.50078; TOPMed 0.63283; gnomAD exomes 0.64619 and 0.72172; gnomAD 0.64914 and 0.65889; ExAC 0.65251; ESP Exome Variant Server 0.68525.
gnomAD v4.1: 1,146,185 of 1,606,680 alleles (71%); highest among the groups gnomAD compares: Non-Finnish European, 77%; 422,825 homozygotes.

Submissions (12):

Labcorp Genetics (formerly Invitae), Labcorp
Classification: Benign for Primary ciliary dyskinesia. Last evaluated: 2026-02-04. Review status: criteria provided, single submitter. Criteria: Invitae Variant Classification Sherloc (09022015). Collection method: clinical testing. Allele origin: germline.

Blueprint Genetics
Classification: Likely benign. Last evaluated: 2024-11-27. Review status: criteria provided, single submitter. Criteria: ACMG Guidelines, 2015. Collection method: clinical testing. Allele origin: germline.

Mayo Clinic Laboratories, Mayo Clinic
Classification: Benign. Last evaluated: 2022-04-26. Review status: criteria provided, single submitter. Criteria: ACMG Guidelines, 2015. Collection method: clinical testing. Allele origin: germline. Observed: 182 variant alleles.

GeneDx
Classification: Benign. Last evaluated: 2018-09-13. Review status: criteria provided, single submitter. Criteria: GeneDx Variant Classification Process June 2021. Collection method: clinical testing. Allele origin: germline. Affected: yes.

Illumina Laboratory Services, Illumina
Classification: Benign for Primary ciliary dyskinesia 10. Last evaluated: 2018-01-12. Review status: criteria provided, single submitter. Criteria: ICSL Variant Classification Criteria 13 December 2019. Collection method: clinical testing. Allele origin: germline.
Comment: This variant was observed in the ICSL laboratory as part of a predisposition screen in an ostensibly healthy population. It had not been previously curated by ICSL or reported in the Human Gene Mutation Database (HGMD: prior to June 1st, 2018), and was therefore a candidate for classification through an automated scoring system. Utilizing variant allele frequency, disease prevalence and penetrance estimates, and inheritance mode, an automated score was calculated to assess if this variant is too frequent to cause the disease. Based on the score and internal cut-off values, a variant classified as benign is not then subjected to further curation. The score for this variant resulted in a classification of benign for this disease.

Clinical Genetics DNA and cytogenetics Diagnostics Lab, Erasmus MC, Erasmus Medical Center
Classification: Benign for Primary ciliary dyskinesia 10. Last evaluated: 2015-09-21. Review status: criteria provided, single submitter. Criteria: ACGS Guidelines, 2013. Collection method: clinical testing. Allele origin: germline. Affected: yes. Study: VKGL Data-share Consensus.

Ambry Genetics
Classification: Benign for Primary ciliary dyskinesia. Last evaluated: 2014-11-26. Review status: criteria provided, single submitter. Criteria: Ambry Variant Classification Scheme 2023. Collection method: clinical testing. Allele origin: germline.

Eurofins Ntd Llc (ga)
Classification: Benign. Last evaluated: 2013-03-06. Review status: criteria provided, single submitter. Criteria: EGL Classification Definitions 2015. Collection method: clinical testing. Allele origin: germline. Observed: 1 variant allele, 1 heterozygote.

Laboratory for Molecular Medicine, Mass General Brigham Personalized Medicine
Classification: Benign. Last evaluated: 2013-02-21. Review status: criteria provided, single submitter. Criteria: LMM Criteria. Collection method: clinical testing. Allele origin: germline. Observed: 84 variant alleles.
Comment: Ala166Ala in exon 1 of DNAAF2: This variant is not expected to have clinical sig nificance because it does not alter an amino acid residue and is not located wit hin the splice consensus sequence. It has been identified in 47.4% (1842/3888) o f African American chromosomes from a broad population by the NHLBI Exome Sequen cing Project (dbSNP rs2985685).

Breakthrough Genomics
Classification: Benign. Review status: criteria provided, single submitter. Criteria: ACMG Guidelines, 2015. Collection method: not provided. Allele origin: germline. Inheritance: Autosomal recessive inheritance. Affected: yes.

PreventionGenetics, part of Exact Sciences
Classification: Benign. Review status: criteria provided, single submitter. Criteria: ACMG Guidelines, 2015. Collection method: clinical testing. Allele origin: germline.

Diagnostic Laboratory, Department of Genetics, University Medical Center Groningen
Classification: Benign for Primary ciliary dyskinesia 10. Review status: no assertion criteria provided. Collection method: clinical testing. Allele origin: germline. Affected: yes. Study: VKGL Data-share Consensus. Not counted in ClinVar's aggregate classification.

NM_018139.3(DNAAF2):c.498C>T (p.Ala166=)

Gene: DNAAF2 (dynein axonemal assembly factor 2; minus strand). Cytogenetic location: 14q21.3.
Variant type: single nucleotide variant.
Coding change: c.498C>T on transcript NM_018139.3 (MANE Select); coding-DNA position 498, C replaced by T.
Protein change: p.Ala166=; no amino-acid change (alanine 166 retained).
Molecular consequence: synonymous variant.
Genome position (GRCh38, 1-based): chr14:49,634,652, G>A on the plus strand (C>T on the coding strand, the complement: DNAAF2 is on the minus strand). VCF-style: chr14-49634652-G-A. GRCh37 (hg19) VCF-style: chr14-50101370-G-A.
Other names: p.Ala166=; c.498C>T, p.Ala166= (NM_001083908.2).
Identifiers: ClinVar variation 95894 (VCV000095894.32), dbSNP rs2985685, ClinGen allele CA149016.